The following is an entry in ClinVar:

NM_152381.6(XIRP2):c.8344G>A (p.Val2782Ile)

Gene: XIRP2 (xin actin binding repeat containing 2; plus strand). Cytogenetic location: 2q24.3.
Variant type: single nucleotide variant.
Coding change: c.8344G>A on transcript NM_152381.6 (MANE Select); coding-DNA position 8344, G replaced by A.
Protein change: p.Val2782Ile; replaces valine 2782 with isoleucine.
Molecular consequence: missense variant. On other transcripts: intron variant (3).
Genome position (GRCh38, 1-based): chr2:167,249,736, G>A. VCF-style: chr2-167249736-G-A. GRCh37 (hg19) VCF-style: chr2-168106246-G-A.
Other names: c.7678G>A, p.Val2560Ile (NM_001199144.2); c.1276-4296G>A (NM_001199143.2); c.1177-4296G>A (NM_001079810.4); c.511-4296G>A (NM_001199145.2); short protein forms V2560I, V2782I.
Identifiers: ClinVar variation 3059759 (VCV003059759.2), dbSNP rs16853330, ClinGen allele CA1947805.

ClinVar aggregate classification (germline): Benign (0 of 4 stars; one submission).

Conditions:
XIRP2-related disorder. Also called: XIRP2-related condition.

Allele frequency attached by ClinVar (database versions not stated): gnomAD exomes 0.13141; ExAC 0.16550; ESP Exome Variant Server 0.17723; gnomAD 0.19139; TOPMed 0.19627; 1000 Genomes Project 30x 0.23501; 1000 Genomes Project 0.23582.
gnomAD v4.1: 221,901 of 1,613,062 alleles (14%); highest among the groups gnomAD compares: African/African-American, 34%; 18,365 homozygotes.

Submission:

PreventionGenetics, part of Exact Sciences
Classification: Benign for XIRP2-related condition. Last evaluated: 2019-11-06. Review status: no assertion criteria provided. Collection method: clinical testing. Allele origin: germline.
Comment: This variant is classified as benign based on ACMG/AMP sequence variant interpretation guidelines (Richards et al. 2015 PMID: 25741868, with internal and published modifications).